The following is an entry in ClinVar:

NM_000784.4(CYP27A1):c.85G>A (p.Ala29Thr)

Gene: CYP27A1 (cytochrome P450 family 27 subfamily A member 1; plus strand). Cytogenetic location: 2q35.
Variant type: single nucleotide variant.
Coding change: c.85G>A on transcript NM_000784.4 (MANE Select); coding-DNA position 85, G replaced by A.
Protein change: p.Ala29Thr; replaces alanine 29 with threonine.
Molecular consequence: missense variant.
Genome position (GRCh38, 1-based): chr2:218,782,267, G>A. VCF-style: chr2-218782267-G-A. GRCh37 (hg19) VCF-style: chr2-219646990-G-A.
Other names: short protein forms A29T.
Identifiers: ClinVar variation 1764004 (VCV001764004.6), dbSNP rs1266912871, ClinGen allele CA350575803.

ClinVar aggregate classification (germline): Uncertain significance. Review status: criteria provided, multiple submitters, no conflicts (2 of 4 stars). 3 submissions from 3 submitters: Uncertain significance (3). Last evaluated 2026-01-29.

Conditions:
Cardiovascular phenotype. Identifiers: MedGen CN230736.
Cholestanol storage disease (CTX). Also called: CTX: Cerebrotendinous xanthomatosis; CEREBRAL CHOLESTERINOSIS; Cerebrotendinous Xanthomatosis. Identifiers: Orphanet 909, MedGen C0238052, MONDO:0008948, OMIM 213700.

Allele frequency attached by ClinVar (database versions not stated): TOPMed 0.00002; gnomAD 0.00003.
gnomAD v4.1: 9 of 1,567,998 alleles (0.00057%); highest among the groups gnomAD compares: African/African-American, 0.0041%; no homozygotes.

Submissions (3):

GeneDx
Classification: Uncertain significance. Last evaluated: 2026-01-29. Review status: criteria provided, single submitter. Criteria: GeneDx Variant Classification Process June 2021. Collection method: clinical testing. Allele origin: germline.
Comment: Not observed at significant frequency in large population cohorts (gnomAD); In silico analysis suggests that this missense variant does not alter protein structure/function; Has not been previously published as pathogenic or benign to our knowledge

Ambry Genetics
Classification: Uncertain significance for Cardiovascular phenotype. Last evaluated: 2024-08-11. Review status: criteria provided, single submitter. Criteria: Ambry Variant Classification Scheme 2023. Collection method: clinical testing. Allele origin: germline.

Labcorp Genetics (formerly Invitae), Labcorp
Classification: Uncertain significance for Cholestanol storage disease. Last evaluated: 2022-04-10. Review status: criteria provided, single submitter. Criteria: Invitae Variant Classification Sherloc (09022015). Collection method: clinical testing. Allele origin: germline.
Comment: This sequence change replaces alanine, which is neutral and non-polar, with threonine, which is neutral and polar, at codon 29 of the CYP27A1 protein (p.Ala29Thr). This variant is not present in population databases (gnomAD no frequency). This variant has not been reported in the literature in individuals affected with CYP27A1-related conditions. Advanced modeling of protein sequence and biophysical properties (such as structural, functional, and spatial information, amino acid conservation, physicochemical variation, residue mobility, and thermodynamic stability) performed at Invitae indicates that this missense variant is not expected to disrupt CYP27A1 protein function. In summary, the available evidence is currently insufficient to determine the role of this variant in disease. Therefore, it has been classified as a Variant of Uncertain Significance.